The following is an entry in ClinVar:

ClinVar aggregate classification (germline): Likely benign (1 of 4 stars; one submission).

Conditions:
Familial cancer of breast. Also called: Hereditary breast cancer; hereditary breast carcinoma; BREAST CANCER, FAMILIAL. Identifiers: Orphanet 227535, MedGen C0346153, MONDO:0016419, OMIM 114480. Disease mechanism: loss of function.

Submission:

Myriad Genetics, Inc.
Classification: Likely benign for Familial cancer of breast. Last evaluated: 2025-01-09. Review status: criteria provided, single submitter. Criteria: Myriad Autosomal Dominant, Autosomal Recessive and X-Linked Classification Criteria (2023). Collection method: clinical testing. Allele origin: unknown.
Comment: This variant is considered likely benign. This variant is intronic and is not expected to impact mRNA splicing.

NM_024675.4(PALB2):c.109-9C>T

Gene: PALB2 (partner and localizer of BRCA2; minus strand). Cytogenetic location: 16p12.2.
Variant type: single nucleotide variant.
Coding change: c.109-9C>T on transcript NM_024675.4 (MANE Select); 9 bases into the intron before coding-DNA position 109, C replaced by T.
Molecular consequence: intron variant.
Genome position (GRCh38, 1-based): chr16:23,637,961, G>A on the plus strand (C>T on the coding strand, the complement: PALB2 is on the minus strand). VCF-style: chr16-23637961-G-A. GRCh37 (hg19) VCF-style: chr16-23649282-G-A.
Other names: c.-777-9C>T (NM_001407308.1, NM_001407306.1, NM_001407307.1 and 5 more transcripts); c.48+3149C>T (NM_001407314.1); c.-105+3149C>T (NM_001407313.1, NM_001407312.1); c.49-9C>T (NM_001407296.1); c.109-9C>T (NM_001407297.1, NM_001407302.1, NM_001407298.1 and 3 more transcripts).
Identifiers: ClinVar variation 3903494 (VCV003903494.1).
Genomic context (GRCh38, chr16:23,637,961, plus strand): 5'-CTTCTACTGTTTTCTTAATAGAATGCTTAATCTTTTCAGCTCTTTGGGCACGCTAGAGGA[G>A]ACAAAAACAGCCCCAGAAATACGTTTTCTTTAAAGTTTTATAGAGTCAAGAACTGTTTTT-3'